The following is an entry in ClinVar:

ClinVar aggregate classification (germline): Uncertain significance. Review status: criteria provided, multiple submitters, no conflicts (2 of 4 stars). 3 submissions from 3 submitters: Uncertain significance (2). 1 of the submissions does not count toward it. Last evaluated 2018-02-05.

Conditions:
Alstrom syndrome (ALMS). Identifiers: Orphanet 64, MedGen C0268425, MONDO:0008763, OMIM 203800.

Allele frequency attached by ClinVar (database versions not stated): gnomAD exomes below 0.00001.
gnomAD v4.1: 1 of 1,613,566 alleles (0.000062%); highest among the groups gnomAD compares: Admixed American, 0.0017%; no homozygotes.

Submissions (3):

Stanford Center for Inherited Cardiovascular Disease, Stanford University
Classification: Uncertain significance. Last evaluated: 2018-02-05. Review status: criteria provided, single submitter. Criteria: ACMG Guidelines, 2015. Collection method: provider interpretation. Allele origin: germline.

Labcorp Genetics (formerly Invitae), Labcorp
Classification: Uncertain significance for Alstrom syndrome. Last evaluated: 2017-12-24. Review status: criteria provided, single submitter. Criteria: Invitae Variant Classification Sherloc (09022015). Collection method: clinical testing. Allele origin: germline.
Comment: This sequence change affects codon 119 of the ALMS1 mRNA. It is a 'silent' change, meaning that it does not change the encoded amino acid sequence of the ALMS1 protein. This variant is not present in population databases (ExAC no frequency). This variant has not been reported in the literature in individuals with ALMS1-related disease. Algorithms developed to predict the effect of sequence changes on RNA splicing suggest that this variant may create or strengthen a splice site, but this prediction has not been confirmed by published transcriptional studies. In summary, the available evidence is currently insufficient to determine the role of this variant in disease. Therefore, it has been classified as a Variant of Uncertain Significance.

Natera, Inc.
Classification: Uncertain significance for Alstrom syndrome. Last evaluated: 2020-09-16. Review status: no assertion criteria provided. Collection method: clinical testing. Allele origin: germline. Not counted in ClinVar's aggregate classification.

NM_001378454.1(ALMS1):c.354A>G (p.Gln118=)

Gene: ALMS1 (ALMS1 centrosome and basal body associated protein; plus strand). Cytogenetic location: 2p13.1.
Variant type: single nucleotide variant.
Coding change: c.354A>G on transcript NM_001378454.1 (MANE Select); coding-DNA position 354, A replaced by G.
Protein change: p.Gln118=; no amino-acid change (glutamine 118 retained).
Molecular consequence: synonymous variant.
Genome position (GRCh38, 1-based): chr2:73,408,651, A>G. VCF-style: chr2-73408651-A-G. GRCh37 (hg19) VCF-style: chr2-73635779-A-G.
Other names: c.357A>G, p.Gln119= (NM_015120.4).
Identifiers: ClinVar variation 529380 (VCV000529380.6), dbSNP rs531782624, ClinGen allele CA50351994.